The following is an entry in ClinVar:

ClinVar aggregate classification (germline): Uncertain significance. Review status: criteria provided, multiple submitters, no conflicts (2 of 4 stars). 2 submissions from 2 submitters: Uncertain significance (2). Last evaluated 2025-08-30.

Conditions:
Juvenile polyposis syndrome (JPS). Identifiers: Orphanet 2929, MedGen C0345893, MONDO:0017380, OMIM 174900.
Hereditary cancer-predisposing syndrome. Also called: Neoplastic Syndromes, Hereditary; Hereditary Cancer Syndrome; Hereditary neoplastic syndrome; Tumor predisposition. Identifiers: Orphanet 140162, MedGen C0027672, MeSH D009386, MONDO:0015356.

Submissions (2):

Labcorp Genetics (formerly Invitae), Labcorp
Classification: Uncertain significance for Juvenile polyposis syndrome. Last evaluated: 2025-08-30. Review status: criteria provided, single submitter. Criteria: Invitae Variant Classification Sherloc (09022015). Collection method: clinical testing. Allele origin: germline.
Comment: This variant, c.1556_1558del, results in the deletion of 1 amino acid(s) of the BMPR1A protein (p.Lys519del), but otherwise preserves the integrity of the reading frame. This variant is not present in population databases (gnomAD no frequency). This variant has been observed in individual(s) with Juvenile polyposis syndrome (PMID: 16436638). This variant is also known as 1552_1554delAAG. Experimental studies and prediction algorithms are not available or were not evaluated, and the functional significance of this variant is currently unknown. In summary, the available evidence is currently insufficient to determine the role of this variant in disease. Therefore, it has been classified as a Variant of Uncertain Significance.

Ambry Genetics
Classification: Uncertain significance for Hereditary cancer-predisposing syndrome. Last evaluated: 2025-06-02. Review status: criteria provided, single submitter. Criteria: Ambry Variant Classification Scheme 2023. Collection method: clinical testing. Allele origin: germline.
Comment: The c.1556_1558delAGA variant (also known as p.K519del) is located in coding exon 11 of the BMPR1A gene. This variant results from an in-frame AGA deletion at nucleotide positions 1556 to 1558. This results in the in-frame deletion of a lysine at codon 519. This amino acid position is highly conserved in available vertebrate species. In addition, this variant is predicted to be deleterious by in silico analysis (Choi Y et al. PLoS ONE. 2012; 7(10):e46688). Based on the available evidence, the clinical significance of this variant remains unclear.

Literature cited by the submitters: PubMed 16436638 (cited by Labcorp Genetics (formerly Invitae), Labcorp).

NM_004329.3(BMPR1A):c.1553AGA[1] (p.Lys519del)

Gene: BMPR1A (bone morphogenetic protein receptor type 1A; plus strand). Cytogenetic location: 10q23.2.
Variant type: Microsatellite.
Coding change: c.1553AGA[1] on transcript NM_004329.3 (MANE Select); one copy of the 3-base unit AGA starting at c.1553; the reference has two copies in a row; one copy, 3 bases deleted.
Protein change: p.Lys519del; deletes lysine 519.
Molecular consequence: inframe deletion.
Genome position (GRCh38, 1-based): chr10:86,923,676-86,923,678, AGA deleted; deleting any 3 consecutive bases within chr10:86,923,672-86,923,678 gives the same sequence; the position shown is the placement nearest the transcript's 3' end. VCF-style (leftmost placement, unchanged base first): chr10-86923671-TAAG-T. GRCh37 (hg19) VCF-style: chr10-88683428-TAAG-T.
Other names: c.1556_1558delAGA (NM_004329.2); short protein forms K519del.
Identifiers: ClinVar variation 642032 (VCV000642032.11), dbSNP rs1589293666, ClinGen allele CA915947549.